The following is an entry in ClinVar:

NM_004360.5(CDH1):c.220C>T (p.Arg74Ter)

Gene: CDH1 (cadherin 1; plus strand). Cytogenetic location: 16q22.1.
Variant type: single nucleotide variant.
Coding change: c.220C>T on transcript NM_004360.5 (MANE Select); coding-DNA position 220, C replaced by T.
Protein change: p.Arg74Ter; replaces arginine 74 with a stop codon.
Molecular consequence: nonsense. On other transcripts: 5 prime UTR variant (2).
Genome position (GRCh38, 1-based): chr16:68,801,726, C>T. VCF-style: chr16-68801726-C-T. GRCh37 (hg19) VCF-style: chr16-68835629-C-T.
Other names: c.220C>T (LRG_301t1); c.220C>T, p.Arg74Ter (NM_001317184.2); c.-1396C>T (NM_001317185.2); c.-1600C>T (NM_001317186.2); short protein forms R74*.
Identifiers: ClinVar variation 239891 (VCV000239891.28), dbSNP rs876658932, ClinGen allele CA10583404.

ClinVar aggregate classification (germline): Pathogenic. Review status: reviewed by expert panel (3 of 4 stars). 10 submissions from 10 submitters: Pathogenic (1). 9 of the submissions do not count toward it. Last evaluated 2023-08-29.

Conditions:
Blepharocheilodontic syndrome 1 (BCDS1). Identifiers: Orphanet 1997, MedGen C4551988, MONDO:0054740, OMIM 119580.
Hereditary diffuse gastric adenocarcinoma (HDGC). Also called: DIFFUSE GASTRIC AND LOBULAR BREAST CANCER SYNDROME. Identifiers: Orphanet 26106, MedGen C1708349, MONDO:0007648, OMIM 137215.
Endometrial carcinoma. Also called: Endometrial carcinoma, somatic. Identifiers: MedGen C0476089, MONDO:0002447, OMIM 608089, HP:0012114.
Ovarian neoplasm. Also called: Neoplasm of ovary; Ovarian tumor; Ovarian Neoplasms. Identifiers: MedGen C0919267, MeSH D010051, MONDO:0021068, HP:0100615.
Prostate cancer. Also called: Malignant tumor of prostate. Identifiers: Orphanet 1331, MedGen C0376358, MONDO:0008315, HP:0012125.
Familial cancer of breast. Also called: hereditary breast carcinoma; BREAST CANCER, FAMILIAL; Hereditary breast cancer. Identifiers: Orphanet 227535, MedGen C0346153, MONDO:0016419, OMIM 114480. Disease mechanism: loss of function.
CDH1-related diffuse gastric and lobular breast cancer syndrome. Also called: CDH1-related diffuse gastric and lobular breast cancer. Identifiers: MedGen CN311521, MONDO:0100488.
Hereditary cancer-predisposing syndrome. Also called: Hereditary neoplastic syndrome; Hereditary Cancer Syndrome; Neoplastic Syndromes, Hereditary; Tumor predisposition. Identifiers: Orphanet 140162, MedGen C0027672, MeSH D009386, MONDO:0015356.

Submissions (10):

Clingen Gastric Cancer Variant Curation Expert Panel
Classification: Pathogenic for CDH1-related diffuse gastric and lobular breast cancer syndrome. Last evaluated: 2023-08-29. Review status: reviewed by expert panel. Criteria: ClinGen CDH1 ACMG Specifications V3.1. Collection method: curation. Allele origin: germline. Inheritance: Autosomal dominant inheritance.
Comment: The c.220C>T p.(Arg74Ter) variant is predicted to result in a premature stop codon that leads to a truncated or absent protein (PVS1, PM5_Supporting). The variant is absent in the gnomAD cohort (PM2_Supporting). The variant has been reported in at least one family meeting HDGC clinical criteria (PS4_Supporting; SCV000288456.3). In summary, this variant meets criteria to be classified as pathogenic based on the ACMG/AMP criteria applied as specified by the CDH1 Variant Curation Expert Panel (Variant Interpretation Guidelines Version 3.1): PVS1, PM2_Supporting, PS4_supporting, PM5_Supporting.

Center for Genomic Medicine, Rigshospitalet, Copenhagen University Hospital
Classification: Pathogenic. Last evaluated: 2025-12-29. Review status: criteria provided, single submitter. Criteria: ACMG Guidelines, 2015. Collection method: clinical testing. Allele origin: germline. Not counted in ClinVar's aggregate classification.
Comment: Classification criteria: PVS1, PM2_Supporting, PS4_supporting, PM5_Supporting

Labcorp Genetics (formerly Invitae), Labcorp
Classification: Pathogenic for Hereditary diffuse gastric adenocarcinoma. Last evaluated: 2025-05-18. Review status: criteria provided, single submitter. Criteria: Invitae Variant Classification Sherloc (09022015). Collection method: clinical testing. Allele origin: germline. Not counted in ClinVar's aggregate classification.
Comment: This sequence change creates a premature translational stop signal (p.Arg74*) in the CDH1 gene. It is expected to result in an absent or disrupted protein product. Loss-of-function variants in CDH1 are known to be pathogenic (PMID: 15235021, 20373070). This variant is not present in population databases (gnomAD no frequency). This variant has not been reported in the literature in individuals affected with CDH1-related conditions. ClinVar contains an entry for this variant (Variation ID: 239891). For these reasons, this variant has been classified as Pathogenic.

Ambry Genetics
Classification: Pathogenic for Hereditary cancer-predisposing syndrome. Last evaluated: 2025-04-08. Review status: criteria provided, single submitter. Criteria: Ambry Variant Classification Scheme 2023. Collection method: clinical testing. Allele origin: germline. Not counted in ClinVar's aggregate classification.
Comment: The p.R74* pathogenic mutation (also known as c.220C>T), located in coding exon 3 of the CDH1 gene, results from a C to T substitution at nucleotide position 220. This changes the amino acid from an arginine to a stop codon within coding exon 3. In one study, this variant was observed in 1/7,051 unselected female breast cancer patients and 0/11,241 female controls of Japanese ancestry (Momozawa Y et al. Nat Commun, 2018 10;9:4083). In another study, this variant was reported in 1/60,466 breast cancer cases and in 0/53,461 controls (Dorling et al. N Engl J Med. 2021 02;384:428-439). This variant is considered to be rare based on population cohorts in the Genome Aggregation Database (gnomAD). In addition to the clinical data presented in the literature, this alteration is expected to result in loss of function by premature protein truncation or nonsense-mediated mRNA decay. As such, this alteration is interpreted as a disease-causing mutation.

Myriad Genetics, Inc.
Classification: Pathogenic for Hereditary diffuse gastric adenocarcinoma. Last evaluated: 2023-06-08. Review status: criteria provided, single submitter. Criteria: Myriad Autosomal Dominant, Autosomal Recessive and X-Linked Classification Criteria (2023). Collection method: clinical testing. Allele origin: unknown. Not counted in ClinVar's aggregate classification.
Comment: This variant is considered pathogenic. This variant creates a termination codon and is predicted to result in premature protein truncation.

GeneDx
Classification: Pathogenic. Last evaluated: 2023-04-17. Review status: criteria provided, single submitter. Criteria: GeneDx Variant Classification Process June 2021. Collection method: clinical testing. Allele origin: germline. Affected: yes. Not counted in ClinVar's aggregate classification.
Comment: Nonsense variant predicted to result in protein truncation or nonsense mediated decay in a gene for which loss of function is a known mechanism of disease; Not observed at significant frequency in large population cohorts (gnomAD); This variant is associated with the following publications: (PMID: 25123297, 30287823, 30935944, 33471991, 32842532, 34949788)

European Reference Network on Genetic Tumour Risk Syndromes (ERN-GENTURIS), i3s - Instituto de Investigação e Inovação em Saúde, University of Porto
Classification: Pathogenic for Hereditary diffuse gastric adenocarcinoma. Last evaluated: 2022-08-01. Review status: criteria provided, single submitter. Criteria: Lee et al. (Hum Mutat. 2018). Collection method: clinical testing. Allele origin: germline. Inheritance: Autosomal dominant inheritance. Affected: yes. Study: ERN GENTURIS. Not counted in ClinVar's aggregate classification.
Comment: PVS1; PS4_Moderate; PM2 (PMID: 30311375)

Baylor Genetics
Classification: Pathogenic for Familial cancer of breast. Last evaluated: 2021-07-13. Review status: criteria provided, single submitter. Criteria: ACMG Guidelines, 2015. Collection method: clinical testing. Allele origin: unknown. Not counted in ClinVar's aggregate classification.

Color Diagnostics, LLC DBA Color Health
Classification: Pathogenic for Hereditary cancer-predisposing syndrome. Last evaluated: 2020-01-15. Review status: criteria provided, single submitter. Criteria: ACMG Guidelines, 2015. Collection method: clinical testing. Allele origin: germline. Not counted in ClinVar's aggregate classification.
Comment: This variant changes 1 nucleotide in exon 3 of the CDH1 gene, creating a premature translation stop signal. This variant is expected to result in an absent or non-functional protein product. This variant has not been identified in the general population by the Genome Aggregation Database (gnomAD). Loss of CDH1 function is a known mechanism of disease. Based on the available evidence, this variant is classified as Pathogenic.

Fulgent Genetics
Classification: Pathogenic for Familial cancer of breast; Blepharocheilodontic syndrome 1; Hereditary diffuse gastric adenocarcinoma; Ovarian cancer; Familial prostate cancer; Endometrial carcinoma. Last evaluated: 2018-10-31. Review status: criteria provided, single submitter. Criteria: ACMG Guidelines, 2015. Collection method: clinical testing. Allele origin: unknown. Not counted in ClinVar's aggregate classification.

Literature cited by the submitters: PubMed 25123297 (cited by Clingen Gastric Cancer Variant Curation Expert Panel and Ambry Genetics); PubMed 36436516 (cited by Center for Genomic Medicine, Rigshospitalet, Copenhagen University Hospital and European Reference Network on Genetic Tumour Risk Syndromes (ERN-GENTURIS), i3s - Instituto de Investigação e Inovação em Saúde, University of Porto); PubMed 15235021 (cited by Labcorp Genetics (formerly Invitae), Labcorp); PubMed 20373070 (cited by Labcorp Genetics (formerly Invitae), Labcorp); PubMed 30287823 (cited by Ambry Genetics); PubMed 32842532 (cited by Ambry Genetics); PubMed 33471991 (cited by Ambry Genetics).